The following is an entry in ClinVar:

ClinVar aggregate classification (germline): Benign/Likely benign. Review status: criteria provided, multiple submitters, no conflicts (2 of 4 stars). 6 submissions from 6 submitters: Benign (2); Likely benign (4). Last evaluated 2024-11-01.

Conditions:
Autosomal dominant nonsyndromic hearing loss 56. Also called: Deafness, autosomal dominant 56. Identifiers: Orphanet 90635, MedGen C3810170, MONDO:0014283, OMIM 615629.

Allele frequency attached by ClinVar (database versions not stated): ExAC 0.00071; gnomAD exomes 0.00104; gnomAD 0.00115; ESP Exome Variant Server 0.00123; 1000 Genomes Project 30x 0.00156; 1000 Genomes Project 0.00160; TOPMed 0.00167.
gnomAD v4.1: 1,343 of 1,614,008 alleles (0.083%); highest among the groups gnomAD compares: Middle Eastern, 0.46%; 2 homozygotes.

Submissions (6):

Blueprint Genetics
Classification: Likely benign. Last evaluated: 2024-11-01. Review status: criteria provided, single submitter. Criteria: ACMG Guidelines, 2015. Collection method: clinical testing. Allele origin: germline.

CeGaT Center for Human Genetics Tuebingen
Classification: Likely benign. Last evaluated: 2023-01-01. Review status: criteria provided, single submitter. Criteria: CeGaT Center For Human Genetics Tuebingen Variant Classification Criteria Version 2. Collection method: clinical testing. Allele origin: germline. Affected: yes. Observed: 1 variant allele.
Comment: TNC: BP4, BP7

Genome-Nilou Lab
Classification: Benign for Autosomal dominant nonsyndromic hearing loss 56. Last evaluated: 2022-03-15. Review status: criteria provided, single submitter. Criteria: ACMG Guidelines, 2015. Collection method: clinical testing. Allele origin: germline. Affected: no.

GeneDx
Classification: Likely benign. Last evaluated: 2021-09-21. Review status: criteria provided, single submitter. Criteria: GeneDx Variant Classification Process June 2021. Collection method: clinical testing. Allele origin: germline. Affected: yes.

Labcorp Genetics (formerly Invitae), Labcorp
Classification: Benign. Last evaluated: 2019-12-31. Review status: criteria provided, single submitter. Criteria: Invitae Variant Classification Sherloc (09022015). Collection method: clinical testing. Allele origin: germline.

Breakthrough Genomics
Classification: Likely benign. Review status: criteria provided, single submitter. Criteria: ACMG Guidelines, 2015. Collection method: not provided. Allele origin: germline. Inheritance: Autosomal dominant inheritance. Affected: yes.

NM_002160.4(TNC):c.3711G>A (p.Gly1237=)

Genes: TNC (tenascin C; minus strand), LOC126860741 (P300/CBP strongly-dependent group 1 enhancer GRCh37_chr9:117825442-117826641; plus strand). Cytogenetic location: 9q33.1.
Variant type: single nucleotide variant.
Coding change: c.3711G>A on transcript NM_002160.4 (MANE Select); coding-DNA position 3711, G replaced by A.
Protein change: p.Gly1237=; no amino-acid change (glycine 1237 retained).
Molecular consequence: synonymous variant.
Genome position (GRCh38, 1-based): chr9:115,063,845, C>T on the plus strand (G>A on the coding strand, the complement: TNC is on the minus strand). VCF-style: chr9-115063845-C-T. GRCh37 (hg19) VCF-style: chr9-117826124-C-T.
Identifiers: ClinVar variation 709861 (VCV000709861.33), dbSNP rs139931208, ClinGen allele CA5208156.